The following is an entry in ClinVar:

ClinVar aggregate classification (germline): Likely benign (1 of 4 stars; one submission).

Allele frequency attached by ClinVar (database versions not stated): ExAC 0.00001; gnomAD 0.00001; 1000 Genomes Project 30x 0.00016; 1000 Genomes Project 0.00020.
gnomAD v4.1: 1 of 1,614,116 alleles (0.000062%); highest among the groups gnomAD compares: Non-Finnish European, 0.000085%; no homozygotes.

Submission:

CeGaT Center for Human Genetics Tuebingen
Classification: Likely benign. Last evaluated: 2023-09-01. Review status: criteria provided, single submitter. Criteria: CeGaT Center For Human Genetics Tuebingen Variant Classification Criteria Version 2. Collection method: clinical testing. Allele origin: germline. Affected: yes. Observed: 1 variant allele.
Comment: VPS13C: BP4

NM_020821.3(VPS13C):c.1842C>T (p.Thr614=)

Gene: VPS13C (vacuolar protein sorting 13 homolog C; minus strand). Cytogenetic location: 15q22.2.
Variant type: single nucleotide variant.
Coding change: c.1842C>T on transcript NM_020821.3 (MANE Select); coding-DNA position 1842, C replaced by T.
Protein change: p.Thr614=; no amino-acid change (threonine 614 retained).
Molecular consequence: synonymous variant.
Genome position (GRCh38, 1-based): chr15:61,983,892, G>A on the plus strand (C>T on the coding strand, the complement: VPS13C is on the minus strand). VCF-style: chr15-61983892-G-A. GRCh37 (hg19) VCF-style: chr15-62276091-G-A.
Other names: c.1842C>T, p.Thr614= (NM_001018088.3); c.1713C>T, p.Thr571= (NM_017684.5, NM_018080.4).
Identifiers: ClinVar variation 2645404 (VCV002645404.24), dbSNP rs115708341, ClinGen allele CA7596916.